The following is an entry in ClinVar:

ClinVar aggregate classification (germline): Pathogenic. Review status: criteria provided, multiple submitters, no conflicts (2 of 4 stars). 9 submissions from 8 submitters: Pathogenic (6). 3 of the submissions do not count toward it. Last evaluated 2026-07-29.

Conditions:
Rare genetic deafness. Identifiers: Orphanet 96210, MedGen C5680250.
Usher syndrome type 1 (USH1). Also called: RETINITIS PIGMENTOSA AND CONGENITAL DEAFNESS. Identifiers: Orphanet 231169, Orphanet 886, MedGen C1568247, MONDO:0010168, OMIM 276900.
Usher syndrome type 1B (USH1B). Also called: Usher syndrome type IB. Identifiers: MedGen C1848638, MONDO:0700087.
Autosomal recessive nonsyndromic hearing loss 2. Also called: DEAFNESS, AUTOSOMAL RECESSIVE 2; NEUROSENSORY NONSYNDROMIC RECESSIVE DEAFNESS 2. Identifiers: Orphanet 90636, MedGen C1838701, MONDO:0010807, OMIM 600060.
MYO7A-related disorder. Also called: MYO7A-related disorders.
Autosomal dominant nonsyndromic hearing loss 11. Identifiers: Orphanet 90635, MedGen C1832475, MONDO:0011032, OMIM 601317.

Allele frequency attached by ClinVar (database versions not stated): gnomAD exomes below 0.00001 and 0.00001; gnomAD 0.00001; TOPMed 0.00002; ExAC 0.00004; ESP Exome Variant Server 0.00008.
gnomAD v4.1: 7 of 1,609,440 alleles (0.00043%); highest among the groups gnomAD compares: Non-Finnish European, 0.00059%; no homozygotes.

Submissions (9):

PreventionGenetics, part of Exact Sciences
Classification: Pathogenic for MYO7A-related condition. Last evaluated: 2026-07-29. Review status: criteria provided, single submitter. Criteria: ACMG Guidelines, 2015. Collection method: clinical testing. Allele origin: germline.
Comment: The MYO7A c.2323C>T variant is predicted to result in premature protein termination (p.Gln775*). This variant has been reported in individuals with Usher syndrome (Supplementary table 1, Cremers et al. 2007. PubMed ID: 16963483; Table S3, Sloan-Heggen et al. 2016. PubMed ID: 26969326). This variant is reported in 0.0018% of alleles in individuals of European (Non-Finnish) descent in gnomAD. Nonsense variants in MYO7A are expected to be pathogenic. This variant is interpreted as pathogenic.

GeneDx
Classification: Pathogenic. Last evaluated: 2025-04-07. Review status: criteria provided, single submitter. Criteria: GeneDx Variant Classification Process June 2021. Collection method: clinical testing. Allele origin: germline. Affected: yes.
Comment: Not observed at a significant frequency in large population cohorts (gnomAD); Nonsense variant predicted to result in protein truncation or nonsense mediated decay in a gene for which loss of function is a known mechanism of disease; This variant is associated with the following publications: (PMID: 25525159, 16963483, 26969326)

Labcorp Genetics (formerly Invitae), Labcorp
Classification: Pathogenic. Last evaluated: 2024-09-01. Review status: criteria provided, single submitter. Criteria: Invitae Variant Classification Sherloc (09022015). Collection method: clinical testing. Allele origin: germline.
Comment: This sequence change creates a premature translational stop signal (p.Gln775*) in the MYO7A gene. It is expected to result in an absent or disrupted protein product. Loss-of-function variants in MYO7A are known to be pathogenic (PMID: 8900236, 25404053). The frequency data for this variant in the population databases is considered unreliable, as metrics indicate poor data quality at this position in the gnomAD database. This premature translational stop signal has been observed in individual(s) with autosomal recessive Usher syndrome (PMID: 26969326). ClinVar contains an entry for this variant (Variation ID: 371700). Algorithms developed to predict the effect of sequence changes on RNA splicing suggest that this variant may disrupt the consensus splice site. For these reasons, this variant has been classified as Pathogenic.

Fulgent Genetics
Classification: Pathogenic for Usher syndrome type 1; Autosomal recessive nonsyndromic hearing loss 2; Autosomal dominant nonsyndromic hearing loss 11. Last evaluated: 2024-04-25. Review status: criteria provided, single submitter. Criteria: ACMG Guidelines, 2015. Collection method: clinical testing. Allele origin: germline.

Blueprint Genetics
Classification: Pathogenic for MYO7A-related disorders. Last evaluated: 2022-11-21. Review status: criteria provided, single submitter. Criteria: ACMG Guidelines, 2015. Collection method: clinical testing. Allele origin: germline. Affected: yes. Observed: 2 variant alleles.

Laboratory for Molecular Medicine, Mass General Brigham Personalized Medicine
Classification: Pathogenic for Rare genetic deafness. Last evaluated: 2016-07-07. Review status: criteria provided, single submitter. Criteria: LMM Criteria. Collection method: clinical testing. Allele origin: germline. Inheritance: Autosomal recessive inheritance. Observed: 1 variant allele.
Comment: The p.Gln775X variant in MYO7A has been reported in the compound heterozygous st ate in one individual with hearing loss who had a likely diagnosis of Usher synd rome (Sloan-Heggen 2016). It has been identified in 1/5994 African chromosomes a nd 2/43186 European chromosome by the Exome Aggregation Consortium (ExAC; dbSNP rs201892914); This low frequency in the general population is consistent with the carrier frequency for hearing loss or Usher sy ndrome. This nonsense variant leads to a premature termination codon at position 775, which is predicted to lead to a truncated or absent protein. In summary, t his variant meets our criteria to be classified as pathogenic for Usher syndrome in an autosomal recessive manner.

Natera, Inc.
Classification: Pathogenic for Usher syndrome type 1B. Last evaluated: 2021-02-02. Review status: no assertion criteria provided. Collection method: clinical testing. Allele origin: germline. Not counted in ClinVar's aggregate classification.

Counsyl
Classification: Likely pathogenic for Usher syndrome type 1. Last evaluated: 2016-11-10. Review status: no assertion criteria provided. Collection method: clinical testing. Allele origin: unknown. Not counted in ClinVar's aggregate classification.

Counsyl
Classification: Likely pathogenic for Autosomal recessive nonsyndromic hearing loss 2. Last evaluated: 2016-11-10. Review status: no assertion criteria provided. Collection method: clinical testing. Allele origin: unknown. Not counted in ClinVar's aggregate classification.

Literature cited by the submitters: PubMed 8900236 (cited by Labcorp Genetics (formerly Invitae), Labcorp); PubMed 25404053 (cited by Labcorp Genetics (formerly Invitae), Labcorp); PubMed 26969326 (cited by Labcorp Genetics (formerly Invitae), Labcorp and Laboratory for Molecular Medicine, Mass General Brigham Personalized Medicine); PubMed 25525159 (cited by Laboratory for Molecular Medicine, Mass General Brigham Personalized Medicine); PubMed 16963483 (cited by Laboratory for Molecular Medicine, Mass General Brigham Personalized Medicine and Counsyl).

NM_000260.4(MYO7A):c.2323C>T (p.Gln775Ter)

Gene: MYO7A (myosin VIIA; plus strand). Cytogenetic location: 11q13.5.
Variant type: single nucleotide variant.
Coding change: c.2323C>T on transcript NM_000260.4 (MANE Select); coding-DNA position 2323, C replaced by T.
Protein change: p.Gln775Ter; replaces glutamine 775 with a stop codon.
Molecular consequence: nonsense.
Genome position (GRCh38, 1-based): chr11:77,179,085, C>T. VCF-style: chr11-77179085-C-T. GRCh37 (hg19) VCF-style: chr11-76890131-C-T.
Other names: c.2323C>T, p.Gln775Ter (NM_001127180.2); c.2290C>T, p.Gln764Ter (NM_001369365.1); short protein forms Q775*, Q764*.
Identifiers: ClinVar variation 371700 (VCV000371700.18), dbSNP rs201892914, ClinGen allele CA6197809.
Genomic context (GRCh38, chr11:77,179,085, plus strand): 5'-CGCCACTACTGCTGTTTCAGGTCTAACTTTCTGAAGCTGAAGAACGCTGCCACACTGATC[C>T]AGAGGCACTGGCGGGGTCACAACTGTAGGAAGAACTACGGGCTGGTGAGCCTCCCCATGG-3'